The following is an entry in ClinVar:

NM_003136.4(SRP54):c.363A>G (p.Leu121=)

Gene: SRP54 (signal recognition particle 54; plus strand). Cytogenetic location: 14q13.2.
Variant type: single nucleotide variant.
Coding change: c.363A>G on transcript NM_003136.4 (MANE Select); coding-DNA position 363, A replaced by G.
Protein change: p.Leu121=; no amino-acid change (leucine 121 retained).
Molecular consequence: synonymous variant.
Genome position (GRCh38, 1-based): chr14:35,008,629, A>G. VCF-style: chr14-35008629-A-G. GRCh37 (hg19) VCF-style: chr14-35477835-A-G.
Other names: c.216A>G, p.Leu72= (NM_001146282.2); c.363A>G, p.Leu121= (NM_001411017.1).
Identifiers: ClinVar variation 1994629 (VCV001994629.4), dbSNP rs2502743348, ClinGen allele CA485882724.

ClinVar aggregate classification (germline): Uncertain significance (1 of 4 stars; one submission).

Submission:

Labcorp Genetics (formerly Invitae), Labcorp
Classification: Uncertain significance. Last evaluated: 2022-08-19. Review status: criteria provided, single submitter. Criteria: Invitae Variant Classification Sherloc (09022015). Collection method: clinical testing. Allele origin: germline.
Comment: This sequence change affects codon 121 of the SRP54 mRNA. It is a 'silent' change, meaning that it does not change the encoded amino acid sequence of the SRP54 protein. This variant is not present in population databases (gnomAD no frequency). This variant has not been reported in the literature in individuals affected with SRP54-related conditions. Algorithms developed to predict the effect of sequence changes on RNA splicing suggest that this variant may disrupt the consensus splice site. In summary, the available evidence is currently insufficient to determine the role of this variant in disease. Therefore, it has been classified as a Variant of Uncertain Significance.